The following is an entry in ClinVar:

ClinVar aggregate classification (germline): Uncertain significance (1 of 4 stars; one submission).

Conditions:
Androgen resistance syndrome (AIS). Also called: ANDROGEN RECEPTOR DEFICIENCY; DIHYDROTESTOSTERONE RECEPTOR DEFICIENCY; Androgen insensitivity syndrome; TESTICULAR FEMINIZATION SYNDROME; Androgen insensitivity; Androgen insensitivity syndrome due to coactivator deficiency. Identifiers: Orphanet 754, Orphanet 99429, MedGen C0039585, MONDO:0019154, OMIM 300068. Disease mechanism: loss of function.
Kennedy disease (SMAX1). Also called: SPINAL AND BULBAR MUSCULAR ATROPHY, X-LINKED 1; Spinal and Bulbar Muscular Atrophy; KENNEDY SPINAL AND BULBAR MUSCULAR ATROPHY. Identifiers: Orphanet 481, MedGen C1839259, MONDO:0010735, OMIM 313200.

Submission:

Labcorp Genetics (formerly Invitae), Labcorp
Classification: Uncertain significance for Kennedy disease; Androgen resistance syndrome. Last evaluated: 2016-05-30. Review status: criteria provided, single submitter. Criteria: Invitae Variant Classification Sherloc (09022015). Collection method: clinical testing. Allele origin: germline.
Comment: This sequence change replaces tyrosine with cysteine at codon 481 of the AR protein (p.Tyr481Cys). The tyrosine residue is moderately conserved and there is a large physicochemical difference between tyrosine and cysteine. This variant is not present in population databases (ExAC no frequency) and has not been reported in the literature in individuals with a AR-related disease. Algorithms developed to predict the effect of missense changes on protein structure and function do not agree on the potential impact of this missense change (SIFT: "Deleterious"; PolyPhen-2: "Possibly Damaging"; Align-GVGD: "Class C0"). In summary, this variant is a novel missense change with uncertain impact on protein function. It has been classified as a Variant of Uncertain Significance.

NM_000044.6(AR):c.1442A>G (p.Tyr481Cys)

Gene: AR (androgen receptor; plus strand). Cytogenetic location: Xq12.
Variant type: single nucleotide variant.
Coding change: c.1442A>G on transcript NM_000044.6 (MANE Select); coding-DNA position 1442, A replaced by G.
Protein change: p.Tyr481Cys; replaces tyrosine 481 with cysteine.
Molecular consequence: missense variant. On other transcripts: 5 prime UTR variant (1).
Genome position (GRCh38, 1-based): chrX:67,546,588, A>G. VCF-style: chrX-67546588-A-G. GRCh37 (hg19) VCF-style: chrX-66766430-A-G.
Other names: c.-342A>G (NM_001011645.3); c.1442A>G, p.Tyr481Cys (NM_001348061.1, NM_001348063.1, NM_001348064.1); short protein forms Y481C.
Identifiers: ClinVar variation 464789 (VCV000464789.1), dbSNP rs1555970006, ClinGen allele CA413427362.
Genomic context (GRCh38, chrX:67,546,588, plus strand): 5'-GCGGCGGCGGCGGCGGCGGCGGCGGCGGCGGCGGCGGCGAGGCGGGAGCTGTAGCCCCCT[A>G]CGGCTACACTCGGCCCCCTCAGGGGCTGGCGGGCCAGGAAAGCGACTTCACCGCACCTGA-3'
Protein context (NP_000035.2, residues 471-491): GGGEAGAVAP[Tyr481Cys]GYTRPPQGLA